The following is an entry in ClinVar:

NM_001386795.1(DTNA):c.298C>T (p.His100Tyr)

Gene: DTNA (dystrobrevin alpha; plus strand). Cytogenetic location: 18q12.1.
Variant type: single nucleotide variant.
Coding change: c.298C>T on transcript NM_001386795.1 (MANE Select); coding-DNA position 298, C replaced by T.
Protein change: p.His100Tyr; replaces histidine 100 with tyrosine.
Molecular consequence: missense variant.
Genome position (GRCh38, 1-based): chr18:34,794,186, C>T. VCF-style: chr18-34794186-C-T. GRCh37 (hg19) VCF-style: chr18-32374150-C-T.
Other names: c.298C>T, p.His100Tyr (NM_001128175.2, NM_001198938.2, NM_001198939.2 and 35 more transcripts); short protein forms H100Y.
Identifiers: ClinVar variation 1514962 (VCV001514962.8), dbSNP rs959010180, ClinGen allele CA402275068.

ClinVar aggregate classification (germline): Uncertain significance (1 of 4 stars; one submission).

Conditions:
Left ventricular noncompaction 1 (LVNC1). Also called: LEFT VENTRICULAR NONCOMPACTION 1 WITH OR WITHOUT CONGENITAL HEART DEFECTS. Identifiers: Orphanet 54260, MedGen C1858725, MONDO:0011403, OMIM 604169.

Allele frequency attached by ClinVar (database versions not stated): gnomAD 0.00002.
gnomAD v4.1: 6 of 1,614,068 alleles (0.00037%); highest among the groups gnomAD compares: Admixed American, 0.0033%; no homozygotes.

Submission:

Labcorp Genetics (formerly Invitae), Labcorp
Classification: Uncertain significance for Left ventricular noncompaction 1. Last evaluated: 2021-06-30. Review status: criteria provided, single submitter. Criteria: Invitae Variant Classification Sherloc (09022015). Collection method: clinical testing. Allele origin: germline.
Comment: This sequence change replaces histidine with tyrosine at codon 100 of the DTNA protein (p.His100Tyr). The histidine residue is highly conserved and there is a moderate physicochemical difference between histidine and tyrosine. In summary, the available evidence is currently insufficient to determine the role of this variant in disease. Therefore, it has been classified as a Variant of Uncertain Significance. Algorithms developed to predict the effect of missense changes on protein structure and function (SIFT, PolyPhen-2, Align-GVGD) all suggest that this variant is likely to be disruptive. This variant has not been reported in the literature in individuals affected with DTNA-related conditions. This variant is not present in population databases (ExAC no frequency).